The following is an entry in ClinVar:

NC_000011.9:g.(?_61213393)_(61213543_?)dup

Gene: SDHAF2 (succinate dehydrogenase complex assembly factor 2; plus strand). Cytogenetic location: 11q12.2.
Variant type: Duplication.
Identifiers: ClinVar variation 3244606 (VCV003244606.1).

ClinVar aggregate classification (germline): Uncertain significance (1 of 4 stars; one submission).

Conditions:
Hereditary pheochromocytoma and paraganglioma. Also called: Hereditary paragangliomas and pheochromocytomas; Hereditary Paraganglioma-Pheochromocytoma Syndromes; Hereditary pheochromocytoma-paraganglioma. Identifiers: Orphanet 29072, MedGen C4274332, MONDO:0017366.

Submission:

Labcorp Genetics (formerly Invitae), Labcorp
Classification: Uncertain significance for Hereditary pheochromocytoma and paraganglioma. Last evaluated: 2023-12-10. Review status: criteria provided, single submitter. Criteria: Invitae Variant Classification Sherloc (09022015). Collection method: clinical testing. Allele origin: unknown.
Comment: This variant results in a copy number gain of the genomic region encompassing exon(s) 4 of the SDHAF2 gene. This region includes the termination codon of the gene. This copy number gain extends beyond the assayed region for this gene and therefore may encompass additional genes. As the precise location of this event is unknown, it may be in tandem or it may be located elsewhere in the genome. This variant has not been reported in the literature in individuals affected with SDHAF2-related conditions. Experimental studies and prediction algorithms are not available or were not evaluated, and the functional significance of this variant is currently unknown. In summary, the available evidence is currently insufficient to determine the role of this variant in disease. Therefore, it has been classified as a Variant of Uncertain Significance.